The following is an entry in ClinVar:

NM_001388303.1(HECTD4):c.4894G>A (p.Val1632Ile)

Gene: HECTD4 (HECT domain E3 ubiquitin protein ligase 4; minus strand). Cytogenetic location: 12q24.13.
Variant type: single nucleotide variant.
Coding change: c.4894G>A on transcript NM_001388303.1 (MANE Select); coding-DNA position 4894, G replaced by A.
Protein change: p.Val1632Ile; replaces valine 1632 with isoleucine.
Molecular consequence: missense variant.
Genome position (GRCh38, 1-based): chr12:112,243,417, C>T on the plus strand (G>A on the coding strand, the complement: HECTD4 is on the minus strand). VCF-style: chr12-112243417-C-T. GRCh37 (hg19) VCF-style: chr12-112681221-C-T.
Other names: c.4924G>A, p.Val1642Ile (NM_001109662.4); short protein forms V1632I, V1642I.
Identifiers: ClinVar variation 3342174 (VCV003342174.16).

ClinVar aggregate classification (germline): Uncertain significance (1 of 4 stars; one submission).

gnomAD v4.1: 19 of 1,612,190 alleles (0.0012%); highest among the groups gnomAD compares: Non-Finnish European, 0.0014%; no homozygotes.

Submission:

CeGaT Center for Human Genetics Tuebingen
Classification: Uncertain significance. Last evaluated: 2024-08-01. Review status: criteria provided, single submitter. Criteria: CeGaT Center For Human Genetics Tuebingen Variant Classification Criteria Version 2. Collection method: clinical testing. Allele origin: germline. Affected: yes. Observed: 1 variant allele.
Comment: HECTD4: PM2